The following is an entry in ClinVar:

ClinVar aggregate classification (germline): Uncertain significance (1 of 4 stars; one submission).

Conditions:
Inborn genetic diseases. Identifiers: MedGen C0950123, MeSH D030342.

Submission:

Ambry Genetics
Classification: Uncertain significance for Inborn genetic diseases. Last evaluated: 2024-06-18. Review status: criteria provided, single submitter. Criteria: Ambry Variant Classification Scheme 2023. Collection method: clinical testing. Allele origin: germline.
Comment: The p.A526V variant (also known as c.1577C>T), located in coding exon 12 of the ACD gene, results from a C to T substitution at nucleotide position 1577. The alanine at codon 526 is replaced by valine, an amino acid with similar properties. This amino acid position is conserved. In addition, this alteration is predicted to be tolerated by in silico analysis. Based on the available evidence, the clinical significance of this variant remains unclear.

NM_001082486.2(ACD):c.1319C>T (p.Ala440Val)

Gene: ACD (ACD shelterin complex subunit and telomerase recruitment factor; minus strand). Cytogenetic location: 16q22.1.
Variant type: single nucleotide variant.
Coding change: c.1319C>T on transcript NM_001082486.2 (MANE Select); coding-DNA position 1319, C replaced by T.
Protein change: p.Ala440Val; replaces alanine 440 with valine.
Molecular consequence: missense variant.
Genome position (GRCh38, 1-based): chr16:67,657,664, G>A on the plus strand (C>T on the coding strand, the complement: ACD is on the minus strand). VCF-style: chr16-67657664-G-A. GRCh37 (hg19) VCF-style: chr16-67691567-G-A.
Other names: c.1232C>T, p.Ala411Val (NM_001410884.1); c.1310C>T, p.Ala437Val (NM_022914.3); short protein forms A437V, A440V, A411V.
Identifiers: ClinVar variation 3261488 (VCV003261488.1).